The following is an entry in ClinVar:

ClinVar aggregate classification (germline): Likely benign (0 of 4 stars; one submission).

Conditions:
DCTN1-related disorder. Also called: DCTN1-related condition.

gnomAD v4.1: 15 of 1,614,140 alleles (0.00093%); highest among the groups gnomAD compares: African/African-American, 0.015%; no homozygotes.

Submission:

PreventionGenetics, part of Exact Sciences
Classification: Likely benign for DCTN1-related condition. Last evaluated: 2024-03-28. Review status: no assertion criteria provided. Collection method: clinical testing. Allele origin: germline.
Comment: This variant is classified as likely benign based on ACMG/AMP sequence variant interpretation guidelines (Richards et al. 2015 PMID: 25741868, with internal and published modifications).

NM_004082.5(DCTN1):c.2388G>A (p.Gln796=)

Gene: DCTN1 (dynactin subunit 1; minus strand). Cytogenetic location: 2p13.1.
Variant type: single nucleotide variant.
Coding change: c.2388G>A on transcript NM_004082.5 (MANE Select); coding-DNA position 2388, G replaced by A.
Protein change: p.Gln796=; no amino-acid change (glutamine 796 retained).
Molecular consequence: synonymous variant. On other transcripts: non-coding transcript variant (1).
Genome position (GRCh38, 1-based): chr2:74,366,861, C>T on the plus strand (G>A on the coding strand, the complement: DCTN1 is on the minus strand). VCF-style: chr2-74366861-C-T. GRCh37 (hg19) VCF-style: chr2-74593988-C-T.
Other names: c.2328G>A, p.Gln776= (NM_001135040.3); c.1986G>A, p.Gln662= (NM_001135041.3, NM_023019.4); c.2277G>A, p.Gln759= (NM_001190836.2); c.2367G>A, p.Gln789= (NM_001190837.2); c.2337G>A, p.Gln779= (NM_001378991.1); c.2319G>A, p.Gln773= (NM_001378992.1).
Identifiers: ClinVar variation 3352766 (VCV003352766.1).